The following is an entry in ClinVar:

NM_172364.5(CACNA2D4):c.2498C>T (p.Thr833Met)

Gene: CACNA2D4 (calcium voltage-gated channel auxiliary subunit alpha2delta 4; minus strand). Cytogenetic location: 12p13.33.
Variant type: single nucleotide variant.
Coding change: c.2498C>T on transcript NM_172364.5 (MANE Select); coding-DNA position 2498, C replaced by T.
Protein change: p.Thr833Met; replaces threonine 833 with methionine.
Molecular consequence: missense variant.
Genome position (GRCh38, 1-based): chr12:1,840,792, G>A on the plus strand (C>T on the coding strand, the complement: CACNA2D4 is on the minus strand). VCF-style: chr12-1840792-G-A. GRCh37 (hg19) VCF-style: chr12-1949958-G-A.
Other names: short protein forms T833M.
Identifiers: ClinVar variation 882806 (VCV000882806.13), dbSNP rs532757608, ClinGen allele CA6386663.

ClinVar aggregate classification (germline): Uncertain significance. Review status: criteria provided, multiple submitters, no conflicts (2 of 4 stars). 3 submissions from 3 submitters: Uncertain significance (3). Last evaluated 2024-08-08.

Conditions:
Retinal cone dystrophy 4 (RCD4). Identifiers: Orphanet 1872, MedGen C1864849, MONDO:0012507, OMIM 610478.

Allele frequency attached by ClinVar (database versions not stated): ExAC 0.00003; gnomAD exomes 0.00004; TOPMed 0.00005; gnomAD 0.00006 and 0.00007; 1000 Genomes Project 0.00040; 1000 Genomes Project 30x 0.00062.
gnomAD v4.1: 72 of 1,613,864 alleles (0.0045%); highest among the groups gnomAD compares: African/African-American, 0.015%; no homozygotes.

Submissions (3):

Labcorp Genetics (formerly Invitae), Labcorp
Classification: Uncertain significance. Last evaluated: 2024-08-08. Review status: criteria provided, single submitter. Criteria: Invitae Variant Classification Sherloc (09022015). Collection method: clinical testing. Allele origin: germline.
Comment: This sequence change replaces threonine, which is neutral and polar, with methionine, which is neutral and non-polar, at codon 833 of the CACNA2D4 protein (p.Thr833Met). This variant is present in population databases (rs532757608, gnomAD 0.04%). This variant has not been reported in the literature in individuals affected with CACNA2D4-related conditions. ClinVar contains an entry for this variant (Variation ID: 882806). An algorithm developed to predict the effect of missense changes on protein structure and function (PolyPhen-2) suggests that this variant is likely to be tolerated. In summary, the available evidence is currently insufficient to determine the role of this variant in disease. Therefore, it has been classified as a Variant of Uncertain Significance.

Blueprint Genetics
Classification: Uncertain significance. Last evaluated: 2022-05-05. Review status: criteria provided, single submitter. Criteria: ACMG Guidelines, 2015. Collection method: clinical testing. Allele origin: germline.

Illumina Laboratory Services, Illumina
Classification: Uncertain significance for Retinal cone dystrophy 4. Last evaluated: 2018-01-12. Review status: criteria provided, single submitter. Criteria: ICSL Variant Classification Criteria 13 December 2019. Collection method: clinical testing. Allele origin: germline.